The following is an entry in ClinVar:

ClinVar aggregate classification (germline): Uncertain significance (1 of 4 stars; one submission).

Conditions:
Inborn genetic diseases. Identifiers: MedGen C0950123, MeSH D030342.

Submissions (2):

Ambry Genetics
Classification: Uncertain significance for Inborn genetic diseases. Last evaluated: 2021-01-14. Review status: criteria provided, single submitter. Criteria: Ambry Variant Classification Scheme 2023. Collection method: clinical testing. Allele origin: germline.
Comment: The p.K177R variant (also known as c.530A>G), located in coding exon 5 of the AIFM1 gene, results from an A to G substitution at nucleotide position 530. The lysine at codon 177 is replaced by arginine, an amino acid with highly similar properties. This amino acid position is highly conserved in available vertebrate species. In addition, the in silico prediction for this alteration is inconclusive. Since supporting evidence is limited at this time, the clinical significance of this alteration remains unclear.

Dr. Peter K. Rogan Lab, Western University
No classification provided (evidence only). Condition: Nonpapillary renal cell carcinoma. Review status: no classification provided. Collection method: in vitro. Allele origin: not applicable. Functional consequence: retained intron. Not counted in ClinVar's aggregate classification.

NM_004208.4(AIFM1):c.530A>G (p.Lys177Arg)

Genes: AIFM1 (apoptosis inducing factor mitochondria associated 1; minus strand), RAB33A (RAB33A, member RAS oncogene family; plus strand). Cytogenetic location: Xq26.1.
Variant type: single nucleotide variant.
Coding change: c.530A>G on transcript NM_004208.4 (MANE Select); coding-DNA position 530, A replaced by G.
Protein change: p.Lys177Arg; replaces lysine 177 with arginine.
Molecular consequence: missense variant. On other transcripts: non-coding transcript variant (1).
Genome position (GRCh38, 1-based): chrX:130,147,568, T>C on the plus strand (A>G on the coding strand, the complement: AIFM1 is on the minus strand). VCF-style: chrX-130147568-T-C. GRCh37 (hg19) VCF-style: chrX-129281543-T-C.
Other names: NC_000023.10:g.129281543T>C; c.530A>G, p.Lys177Arg (NM_001130847.4); c.518A>G, p.Lys173Arg (NM_145812.3); short protein forms K173R, K177R.
Identifiers: ClinVar variation 1746742 (VCV001746742.3), dbSNP rs2523145903, ClinGen allele CA414588254.